The following is an entry in ClinVar:

NM_001369.3(DNAH5):c.11569dup (p.Arg3857fs)

Gene: DNAH5 (dynein axonemal heavy chain 5; minus strand). Cytogenetic location: 5p15.2.
Variant type: Duplication.
Coding change: c.11569dup on transcript NM_001369.3 (MANE Select); coding-DNA position 11569, one base duplicated (A; older notation c.11569dupA).
Protein change: p.Arg3857fs; shifts the reading frame from arginine 3857.
Molecular consequence: frameshift variant.
Genome position (GRCh38, 1-based): chr5:13,735,819, T duplicated on the plus strand (A on the coding strand, the reverse complement: DNAH5 is on the minus strand). VCF-style (leftmost placement, unchanged base first): chr5-13735818-C-CT. GRCh37 (hg19) VCF-style: chr5-13735927-C-CT.
Other names: short protein forms R3857fs.
Identifiers: ClinVar variation 5011540 (VCV005011540.1).

ClinVar aggregate classification (germline): Pathogenic (1 of 4 stars; one submission).

Conditions:
Primary ciliary dyskinesia 3. Identifiers: Orphanet 244, MedGen C1837618, MONDO:0012085, OMIM 608644.

Submission:

Myriad Genetics, Inc.
Classification: Pathogenic for Primary ciliary dyskinesia 3. Last evaluated: 2023-09-03. Review status: criteria provided, single submitter. Criteria: Myriad Autosomal Dominant, Autosomal Recessive and X-Linked Classification Criteria (2023). Collection method: clinical testing. Allele origin: unknown.
Comment: NM_001369.2(DNAH5):c.11569dupA(R3857Kfs*14) is expected to be pathogenic in the context of primary ciliary dyskinesia, DNAH5-related. This variant is predicted to lead to an abnormal or absent protein product due to the creation of a premature termination codon in DNAH5, a gene where loss-of-function variants are known to be pathogenic. Please note: this variant was assessed in the context of healthy population screening.